The following is an entry in ClinVar:

NM_004064.5(CDKN1B):c.474C>A (p.Asp158Glu)

Gene: CDKN1B (cyclin dependent kinase inhibitor 1B; plus strand). Cytogenetic location: 12p13.1.
Variant type: single nucleotide variant.
Coding change: c.474C>A on transcript NM_004064.5 (MANE Select); coding-DNA position 474, C replaced by A.
Protein change: p.Asp158Glu; replaces aspartic acid 158 with glutamic acid.
Molecular consequence: missense variant.
Genome position (GRCh38, 1-based): chr12:12,718,313, C>A. VCF-style: chr12-12718313-C-A. GRCh37 (hg19) VCF-style: chr12-12871247-C-A.
Other names: short protein forms D158E.
Identifiers: ClinVar variation 1742821 (VCV001742821.7), dbSNP rs1946500609, ClinGen allele CA383971018.

ClinVar aggregate classification (germline): Uncertain significance. Review status: criteria provided, multiple submitters, no conflicts (2 of 4 stars). 2 submissions from 2 submitters: Uncertain significance (2). Last evaluated 2024-12-18.

Conditions:
Hereditary cancer-predisposing syndrome. Also called: Neoplastic Syndromes, Hereditary; Tumor predisposition; Hereditary Cancer Syndrome; Hereditary neoplastic syndrome. Identifiers: Orphanet 140162, MedGen C0027672, MeSH D009386, MONDO:0015356.
Multiple endocrine neoplasia type 4. Also called: MULTIPLE ENDOCRINE NEOPLASIA, TYPE IV. Identifiers: Orphanet 276152, MedGen C1970712, MONDO:0012552, OMIM 610755.

Submissions (2):

Labcorp Genetics (formerly Invitae), Labcorp
Classification: Uncertain significance for Multiple endocrine neoplasia type 4. Last evaluated: 2024-12-18. Review status: criteria provided, single submitter. Criteria: Invitae Variant Classification Sherloc (09022015). Collection method: clinical testing. Allele origin: germline.
Comment: This sequence change replaces aspartic acid, which is acidic and polar, with glutamic acid, which is acidic and polar, at codon 158 of the CDKN1B protein (p.Asp158Glu). This variant is not present in population databases (gnomAD no frequency). This variant has not been reported in the literature in individuals affected with CDKN1B-related conditions. ClinVar contains an entry for this variant (Variation ID: 1742821). An algorithm developed to predict the effect of missense changes on protein structure and function outputs the following: PolyPhen-2: "Benign". The glutamic acid amino acid residue is found in multiple mammalian species, which suggests that this missense change does not adversely affect protein function. In summary, the available evidence is currently insufficient to determine the role of this variant in disease. Therefore, it has been classified as a Variant of Uncertain Significance.

Ambry Genetics
Classification: Uncertain significance for Hereditary cancer-predisposing syndrome. Last evaluated: 2022-06-22. Review status: criteria provided, single submitter. Criteria: Ambry Variant Classification Scheme 2023. Collection method: clinical testing. Allele origin: germline.
Comment: The p.D158E variant (also known as c.474C>A), located in coding exon 1 of the CDKN1B gene, results from a C to A substitution at nucleotide position 474. The aspartic acid at codon 158 is replaced by glutamic acid, an amino acid with highly similar properties. This amino acid position is not well conserved in available vertebrate species. In addition, this alteration is predicted to be tolerated by in silico analysis. Since supporting evidence is limited at this time, the clinical significance of this alteration remains unclear.